The following is an entry in ClinVar:

ClinVar aggregate classification (germline): Uncertain significance (1 of 4 stars; one submission).

Allele frequency attached by ClinVar (database versions not stated): gnomAD exomes below 0.00001; ExAC 0.00001.
gnomAD v4.1: 2 of 1,614,180 alleles (0.00012%); highest among the groups gnomAD compares: African/African-American, 0.0027%; no homozygotes.

Submission:

Labcorp Genetics (formerly Invitae), Labcorp
Classification: Uncertain significance. Last evaluated: 2024-04-22. Review status: criteria provided, single submitter. Criteria: Invitae Variant Classification Sherloc (09022015). Collection method: clinical testing. Allele origin: germline.
Comment: This sequence change replaces glycine, which is neutral and non-polar, with glutamic acid, which is acidic and polar, at codon 2355 of the FAT2 protein (p.Gly2355Glu). This variant is present in population databases (rs758365860, gnomAD 0.007%). This variant has not been reported in the literature in individuals affected with FAT2-related conditions. ClinVar contains an entry for this variant (Variation ID: 1939473). Advanced modeling of protein sequence and biophysical properties (such as structural, functional, and spatial information, amino acid conservation, physicochemical variation, residue mobility, and thermodynamic stability) has been performed at Invitae for this missense variant, however the output from this modeling did not meet the statistical confidence thresholds required to predict the impact of this variant on FAT2 protein function. In summary, the available evidence is currently insufficient to determine the role of this variant in disease. Therefore, it has been classified as a Variant of Uncertain Significance.

NM_001447.3(FAT2):c.7064G>A (p.Gly2355Glu)

Genes: FAT2 (FAT atypical cadherin 2; minus strand), SLC36A1 (solute carrier family 36 member 1; plus strand). Cytogenetic location: 5q33.1.
Variant type: single nucleotide variant.
Coding change: c.7064G>A on transcript NM_001447.3 (MANE Select); coding-DNA position 7064, G replaced by A.
Protein change: p.Gly2355Glu; replaces glycine 2355 with glutamic acid.
Molecular consequence: missense variant.
Genome position (GRCh38, 1-based): chr5:151,544,063, C>T on the plus strand (G>A on the coding strand, the complement: FAT2 is on the minus strand). VCF-style: chr5-151544063-C-T. GRCh37 (hg19) VCF-style: chr5-150923624-C-T.
Other names: c.7064G>A (NM_001447.2); short protein forms G2355E.
Identifiers: ClinVar variation 1939473 (VCV001939473.7), dbSNP rs758365860, ClinGen allele CA3521016.